The following is an entry in ClinVar:

ClinVar aggregate classification (germline): Likely benign (1 of 4 stars; one submission).

Submission:

CeGaT Center for Human Genetics Tuebingen
Classification: Likely benign. Last evaluated: 2026-03-01. Review status: criteria provided, single submitter. Criteria: CeGaT Center For Human Genetics Tuebingen Variant Classification Criteria Version 2. Collection method: clinical testing. Allele origin: germline. Affected: yes. Observed: 4 variant alleles.
Comment: CACNA1B: BP4, BP7

NM_000718.4(CACNA1B):c.195G>A (p.Lys65=)

Genes: CACNA1B (calcium voltage-gated channel subunit alpha1 B; plus strand), CACNA1B-AS2 (CACNA1B antisense RNA 2; minus strand). Cytogenetic location: 9q34.3.
Variant type: single nucleotide variant.
Coding change: c.195G>A on transcript NM_000718.4 (MANE Select); coding-DNA position 195, G replaced by A.
Protein change: p.Lys65=; no amino-acid change (lysine 65 retained).
Molecular consequence: synonymous variant.
Genome position (GRCh38, 1-based): chr9:137,878,128, G>A. VCF-style: chr9-137878128-G-A. GRCh37 (hg19) VCF-style: chr9-140772580-G-A.
Other names: c.195G>A, p.Lys65= (NM_001243812.2).
Identifiers: ClinVar variation 3770698 (VCV003770698.13).